The following is an entry in ClinVar:

ClinVar aggregate classification (germline): Likely benign. Review status: criteria provided, multiple submitters, no conflicts (2 of 4 stars). 5 submissions from 5 submitters: Likely benign (2). 3 of the submissions do not count toward it. Last evaluated 2023-12-14.

Conditions:
Long QT syndrome (LQTS). Identifiers: MedGen C0023976, MeSH D008133, MONDO:0002442. Disease mechanism: loss of function. Inheritance: Various modes of inheritance.

gnomAD v4.1: 3 of 1,613,334 alleles (0.00019%); highest among the groups gnomAD compares: Non-Finnish European, 0.00025%; no homozygotes.

Submissions (5):

Labcorp Genetics (formerly Invitae), Labcorp
Classification: Likely benign for Long QT syndrome. Last evaluated: 2023-12-14. Review status: criteria provided, single submitter. Criteria: Invitae Variant Classification Sherloc (09022015). Collection method: clinical testing. Allele origin: germline.

All of Us Research Program, National Institutes of Health
Classification: Likely benign for Long QT syndrome. Last evaluated: 2023-07-10. Review status: criteria provided, single submitter. Criteria: ACMG Guidelines, 2015. Collection method: clinical testing. Allele origin: germline. Inheritance: Autosomal dominant inheritance. Observed: 1 variant allele, 1 heterozygote.
Comment: This study involves interpretation of variants in research participants for the purpose of population health screening. Participant phenotype was not available at the time of variant classification. Additional details can be found in publication PMID: 35346344, PMCID: PMC8962531

Clinical Genetics, Academic Medical Center
Classification: Benign. Review status: no assertion criteria provided. Collection method: clinical testing. Allele origin: germline. Affected: yes. Study: VKGL Data-share Consensus. Not counted in ClinVar's aggregate classification.

Genome Diagnostics Laboratory, University Medical Center Utrecht
Classification: Likely benign. Review status: no assertion criteria provided. Collection method: clinical testing. Allele origin: germline. Affected: yes. Study: VKGL Data-share Consensus. Not counted in ClinVar's aggregate classification.

Joint Genome Diagnostic Labs from Nijmegen and Maastricht, Radboudumc and MUMC+
Classification: Likely benign. Review status: no assertion criteria provided. Collection method: clinical testing. Allele origin: germline. Affected: yes. Study: VKGL Data-share Consensus. Not counted in ClinVar's aggregate classification.

NM_000218.3(KCNQ1):c.1320C>G (p.Val440=)

Gene: KCNQ1 (potassium voltage-gated channel subfamily Q member 1; plus strand). Cytogenetic location: 11p15.5.
Variant type: single nucleotide variant.
Coding change: c.1320C>G on transcript NM_000218.3 (MANE Select); coding-DNA position 1320, C replaced by G.
Protein change: p.Val440=; no amino-acid change (valine 440 retained).
Molecular consequence: synonymous variant.
Genome position (GRCh38, 1-based): chr11:2,588,781, C>G. VCF-style: chr11-2588781-C-G. GRCh37 (hg19) VCF-style: chr11-2610011-C-G.
Other names: c.1224C>G, p.Val408= (NM_001406836.1); c.1050C>G, p.Val350= (NM_001406837.1); c.780C>G, p.Val260= (NM_001406838.1); c.939C>G, p.Val313= (NM_181798.2).
Identifiers: ClinVar variation 1284367 (VCV001284367.10), dbSNP rs781151116, ClinGen allele CA472039838.
Genomic context (GRCh38, chr11:2,588,781, plus strand): 5'-AAAAAAGTTCAAGCTGGACAAAGACAATGGGGTGACTCCTGGAGAGAAGATGCTCACAGT[C>G]CCCCATATCACGTGCGACCCCCCAGAAGAGCGGCGGCTGGACCACTTCTCTGTCGACGGC-3'
Protein context (NP_000209.2, residues 430-450): GVTPGEKMLT[Val440=]PHITCDPPEE